The following is an entry in ClinVar:

ClinVar aggregate classification (germline): Uncertain significance. Review status: criteria provided, multiple submitters, no conflicts (2 of 4 stars). 2 submissions from 2 submitters: Uncertain significance (2). Last evaluated 2025-07-07.

Conditions:
Inborn genetic diseases. Identifiers: MedGen C0950123, MeSH D030342.

Allele frequency attached by ClinVar (database versions not stated): TOPMed 0.00001; gnomAD exomes below 0.00001; ExAC 0.00001; gnomAD 0.00001.

Submissions (2):

Dasa
Classification: Uncertain significance. Last evaluated: 2025-07-07. Review status: criteria provided, single submitter. Criteria: DASA Assertion Criteria. Collection method: clinical testing. Allele origin: germline.
Comment: NM_001385012.1(NBEA):c.3934A>G (p.Met1312Val) is a missense variant that results in the substitution of methionine with valine. This variant is rare in population databases. Computational prediction algorithms are consistent with a benign effect. The currently available literature and clinical evidence are not sufficient to establish a definitive association between this variant and the reported condition. Therefore, this variant is classified as a variant of uncertain significance.

Ambry Genetics
Classification: Uncertain significance for Inborn genetic diseases. Last evaluated: 2021-12-13. Review status: criteria provided, single submitter. Criteria: Ambry Variant Classification Scheme 2023. Collection method: clinical testing. Allele origin: germline.

NM_001385012.1(NBEA):c.3934A>G (p.Met1312Val)

Gene: NBEA (neurobeachin; plus strand). Cytogenetic location: 13q13.3.
Variant type: single nucleotide variant.
Coding change: c.3934A>G on transcript NM_001385012.1 (MANE Select); coding-DNA position 3934, A replaced by G.
Protein change: p.Met1312Val; replaces methionine 1312 with valine.
Molecular consequence: missense variant.
Genome position (GRCh38, 1-based): chr13:35,161,822, A>G. VCF-style: chr13-35161822-A-G. GRCh37 (hg19) VCF-style: chr13-35735959-A-G.
Other names: c.3934A>G, p.Met1312Val (NM_001379245.1, NM_015678.5); short protein forms M1312V.
Identifiers: ClinVar variation 2266570 (VCV002266570.4), dbSNP rs745847639, ClinGen allele CA6946728.